The following is an entry in ClinVar:

ClinVar aggregate classification (germline): Uncertain significance (1 of 4 stars; one submission).

gnomAD v4.1: 4 of 1,210,864 alleles (0.00033%); highest among the groups gnomAD compares: Non-Finnish European, 0.00045%; no homozygotes.

Submission:

GeneDx
Classification: Uncertain significance. Last evaluated: 2025-05-20. Review status: criteria provided, single submitter. Criteria: GeneDx Variant Classification Process June 2021. Collection method: clinical testing. Allele origin: germline. Affected: yes.
Comment: Not observed at significant frequency in large population cohorts (gnomAD); In silico analysis suggests that this missense variant does not alter protein structure/function; Has not been previously published as pathogenic or benign to our knowledge

NM_031206.7(LAS1L):c.1130C>T (p.Pro377Leu)

Gene: LAS1L (LAS1 like ribosome biogenesis factor; minus strand). Cytogenetic location: Xq12.
Variant type: single nucleotide variant.
Coding change: c.1130C>T on transcript NM_031206.7 (MANE Select); coding-DNA position 1130, C replaced by T.
Protein change: p.Pro377Leu; replaces proline 377 with leucine.
Molecular consequence: missense variant. On other transcripts: non-coding transcript variant (1).
Genome position (GRCh38, 1-based): chrX:65,524,226, G>A on the plus strand (C>T on the coding strand, the complement: LAS1L is on the minus strand). VCF-style: chrX-65524226-G-A. GRCh37 (hg19) VCF-style: chrX-64744106-G-A.
Other names: c.1079C>T, p.Pro360Leu (NM_001170649.2, NM_001375331.1, NM_001375333.1 and 2 more transcripts); c.953C>T, p.Pro318Leu (NM_001170650.2); c.1130C>T, p.Pro377Leu (NM_001375328.1, NM_001375329.1, NM_001375330.1 and 2 more transcripts); c.173C>T, p.Pro58Leu (NM_001375332.1); short protein forms P318L, P360L, P377L, P58L.
Identifiers: ClinVar variation 1304493 (VCV001304493.3), dbSNP rs2148288850, ClinGen allele CA413317585.